The following continues an entry in ClinVar:

NM_007294.4(BRCA1):c.3756_3759del (p.Ser1253fs)

ClinVar aggregate classification (germline): Pathogenic. Pathogenic (1).

Submissions 23 to 39 of 64:

CeGaT Center for Human Genetics Tuebingen
Classification: Pathogenic. Last evaluated: 2023-08-01. Review status: criteria provided, single submitter. Criteria: CeGaT Center For Human Genetics Tuebingen Variant Classification Criteria Version 2. Collection method: clinical testing. Allele origin: germline. Affected: yes. Observed: 2 variant alleles. Not counted in ClinVar's aggregate classification.
Comment: BRCA1: PVS1, PM2

Quest Diagnostics Nichols Institute San Juan Capistrano
Classification: Pathogenic. Last evaluated: 2023-06-08. Review status: criteria provided, single submitter. Criteria: Quest Diagnostics criteria. Collection method: clinical testing. Allele origin: unknown. Not counted in ClinVar's aggregate classification.
Comment: The BRCA1 c.3756_3759del (p.Ser1253Argfs*10) variant has been reported in the published literature in individuals with breast cancer (PMID: 33646313 (2021), 33471991 (2021), 29339979 (2018), 11183185 (2000), 8531967 (1996)), ovarian cancer (PMID: 33287145 (2020), 30078507 (2018), 21324516 (2011)), and pancreatic cancer (PMID: 21989927 (2012)). This variant has also been described as a French founder mutation (PMID: 23199084 (2010)). The frequency of this variant in the general population, 0.000044 (5/113572 chromosomes (Genome Aggregation Database)), is consistent with pathogenicity. Based on the available information, this variant is classified as pathogenic.

CHEO Genetics Diagnostic Laboratory, Children's Hospital of Eastern Ontario
Classification: Pathogenic for Breast and/or ovarian cancer. Last evaluated: 2023-05-17. Review status: criteria provided, single submitter. Criteria: ACMG Guidelines, 2015. Collection method: clinical testing. Allele origin: germline. Not counted in ClinVar's aggregate classification.

Clinical Genetics Laboratory, Skane University Hospital Lund
Classification: Pathogenic. Last evaluated: 2022-05-27. Review status: criteria provided, single submitter. Criteria: ACMG Guidelines, 2015. Collection method: clinical testing. Allele origin: germline. Affected: yes. Not counted in ClinVar's aggregate classification.

Institute of Human Genetics, University of Leipzig Medical Center
Classification: Pathogenic for Breast-ovarian cancer, familial, susceptibility to, 1. Last evaluated: 2022-05-09. Review status: criteria provided, single submitter. Criteria: ACMG Guidelines, 2015. Collection method: clinical testing. Allele origin: unknown. Affected: yes. Not counted in ClinVar's aggregate classification.
Comment: _x000D_ Criteria applied: PVS1, PS4

MGZ Medical Genetics Center
Classification: Pathogenic for Breast-ovarian cancer, familial, susceptibility to, 1. Last evaluated: 2022-01-07. Review status: criteria provided, single submitter. Criteria: ACMG Guidelines, 2015. Collection method: clinical testing. Allele origin: germline. Affected: yes. Observed: 3 variant alleles. Not counted in ClinVar's aggregate classification.
Comment: ACMG criteria applied: PVS1, PS4_SUP, PM2_SUP

Institute for Clinical Genetics, University Hospital TU Dresden, University Hospital TU Dresden
Classification: Pathogenic. Last evaluated: 2021-11-03. Review status: criteria provided, single submitter. Criteria: ACMG Guidelines, 2015. Collection method: clinical testing. Allele origin: germline. Not counted in ClinVar's aggregate classification.

Sema4
Classification: Pathogenic for Hereditary cancer-predisposing syndrome. Last evaluated: 2021-10-18. Review status: criteria provided, single submitter. Criteria: Sema4 Curation Guidelines. Collection method: curation. Allele origin: germline. Not counted in ClinVar's aggregate classification.
Comment: The BRCA1 c.3756_3759delGTCT (p.S1253Rfs*10) variant has been reported in heterozygosity in multiple individuals with breast and/or ovarian cancer (PMID: 33287145, 29339979, 32388397, 29310832, 7894491), among many other publications in literature. This variant causes a frameshift at amino acid 1253 that results in premature termination 10 amino acids downstream. This variant is expected to result in an absent or non-functional protein product. Loss of function variants in BRCA1 are known to be pathogenic (PMID: 29446198). This variant was observed in 5/113572 chromosomes in the Non-Finnish European population, according to the Genome Aggregation Database (PMID: 32461654). This variant has been reported in ClinVar (Variation ID: 17673). Based on the current evidence available, this variant is interpreted as pathogenic.

Institute of Medical Genetics and Applied Genomics, University Hospital Tübingen
Classification: Pathogenic. Last evaluated: 2020-10-23. Review status: criteria provided, single submitter. Criteria: ACMG Guidelines, 2015. Collection method: clinical testing. Allele origin: germline. Inheritance: Autosomal unknown. Affected: yes. Not counted in ClinVar's aggregate classification.

Genomic Research Center, Shahid Beheshti University of Medical Sciences
Classification: Pathogenic for Hereditary breast and ovarian cancer syndrome. Last evaluated: 2020-05-03. Review status: criteria provided, single submitter. Criteria: ACMG Guidelines, 2015. Collection method: clinical testing. Allele origin: unknown. Affected: yes. Not counted in ClinVar's aggregate classification.

Genomic Research Center, Shahid Beheshti University of Medical Sciences
Classification: Pathogenic for Breast-ovarian cancer, familial 1. Last evaluated: 2020-05-03. Review status: criteria provided, single submitter. Criteria: ACMG Guidelines, 2015. Collection method: clinical testing. Allele origin: unknown. Affected: yes. Not counted in ClinVar's aggregate classification.

Department of Molecular Diagnostics, Institute of Oncology Ljubljana
Classification: Pathogenic for Breast-ovarian cancer, familial, susceptibility to, 1. Last evaluated: 2020-04-02. Review status: criteria provided, single submitter. Criteria: ACMG Guidelines, 2015. Collection method: clinical testing. Allele origin: germline. Affected: yes. Not counted in ClinVar's aggregate classification.

Genetics and Molecular Pathology, SA Pathology
Classification: Pathogenic for Breast-ovarian cancer, familial, susceptibility to, 1. Last evaluated: 2020-02-25. Review status: criteria provided, single submitter. Criteria: ACMG Guidelines, 2015. Collection method: clinical testing. Allele origin: germline. Inheritance: Autosomal dominant inheritance. Affected: yes. Not counted in ClinVar's aggregate classification.
Comment: The BRCA1 c.3756_3759delGTCT variant is classified as Pathogenic (PVS1, PM2, PP5_Moderate) This BRCA1 c.3756_3759delGTCT variant is predicted to cause a shift in the reading frame at codon 1253, introducing a premature termination codon (PVS1). The variant has been reported in dbSNP (rs80357868) and has been reported as Pathogenic by other diagnostic laboratories (ClinVar Variation ID: 17673). It has not been reported in HGMD.

GeneKor MSA
Classification: Pathogenic for Hereditary Breast Carcinoma. Last evaluated: 2020-01-01. Review status: criteria provided, single submitter. Criteria: ACMG Guidelines, 2015. Collection method: clinical testing. Allele origin: germline. Affected: yes. Not counted in ClinVar's aggregate classification.
Comment: This sequence change deletes 4 nucleotide from exon 11 of the BRCA1 mRNA (c.3756_3759delGTCT), causing a frameshift after codon 1253 and the creation of a premature translation stop signal 10 amino acid residues later- p.(Ser1253Argfs*10). This is expected to result in an absent or disrupted protein product. Truncating variants in BRCA1 are known to be pathogenic. This variant has been reported in the literature in individuals with inherited breast and/or ovarian cancer, and prostate cancer (PMID: 7894491, 21324516). This variant is also as 3875del4 in the literature.This mutation has been described in the mutation database ClinVar (Variation ID:17673).

GeneDx
Classification: Pathogenic. Last evaluated: 2019-12-06. Review status: criteria provided, single submitter. Criteria: GeneDx Variant Classification Process June 2021. Collection method: clinical testing. Allele origin: germline. Affected: yes. Not counted in ClinVar's aggregate classification.
Comment: Frameshift variant predicted to result in protein truncation or nonsense mediated decay in a gene for which loss-of-function is a known mechanism of disease; Truncating variants in this gene are considered pathogenic by a well-established clinical consortium and/or database; Not observed at a significant frequency in large population cohorts (Lek 2016); This variant is associated with the following publications: (PMID: 21324516, 23621881, 24504028, 27533253, 29310832, 23199084, 31447099, 12947551, 7894491, 23633455, 22711857, 21989927, 27003155, 26779294, 22864640, 25085752, 27356891, 27836010, 27225819, 26843898, 27157322, 27383479, 27062684, 29339979, 28724667, 28423363, 28176296, 30702160, 30720243, 30535581, 31090900, 31159747, 30078507, 30128899, 30103829, 30322717, 26681312, 30093976, 30972954, 31472684, 32388397)

HudsonAlpha Institute for Biotechnology
Classification: Pathogenic for Breast-ovarian cancer, familial, susceptibility to, 1. Last evaluated: 2019-06-25. Review status: criteria provided, single submitter. Criteria: ACMG Guidelines, 2015. Collection method: research. Allele origin: unknown. Observed: 1 variant allele. Study: HudsonAlpha-AGHI-WGS. Not counted in ClinVar's aggregate classification.

Laboratory for Molecular Medicine, Mass General Brigham Personalized Medicine
Classification: Pathogenic for Hereditary breast ovarian cancer syndrome. Last evaluated: 2019-04-08. Review status: criteria provided, single submitter. Criteria: LMM Criteria. Collection method: clinical testing. Allele origin: germline. Inheritance: Autosomal dominant inheritance. Observed: 3 variant alleles. Not counted in ClinVar's aggregate classification.
Comment: The p.Ser12353ArgfsX10 variant in BRCA1 has been reported in >100 individuals with breast and/or ovarian cancer (George 2013, Ghiorzo 2012, Meindl 2002, Pohlreich 2005, Sun 2017, Susswein 2015, Zhang 2011, Breast Cancer Information Core (BIC) ). In addition, this variant was classified as Pathogenic on April 22, 2016 by the ClinGen-approved ENIGMA expert panel (ClinVar VCV000017673.2). This variant has been identified in 0.004% (5/113572) of European chromosomes by the Genome Aggregation Database (gnomAD). This variant is predicted to cause a frameshift, which alters the proteinâ€™s amino acid sequence beginning at position 1253 and leads to a premature termination codon 10 amino acids downstream. This alteration is then predicted to lead to a truncated or absent protein. Heterozygous loss of function of the BRCA1 gene is an established disease mechanism in hereditary breast and ovarian cancer syndrome. In summary, this variant meets criteria to be classified as pathogenic for hereditary breast and ovarian cancer in an autosomal dominant manner. ACMG/AMP Criteria applied: PVS1, PS4.